The following is an entry in ClinVar:

ClinVar aggregate classification (germline): Pathogenic (1 of 4 stars; one submission).

Conditions:
Sanfilippo syndrome. Also called: Mucopolysaccharidosis Type III; Mucopolysaccharidosis type 3; Sanfilippo disease. Identifiers: Orphanet 581, MedGen C0026706, MONDO:0018937.

Submission:

Natera, Inc.
Classification: Pathogenic for Sanfilippo disease. Last evaluated: 2024-07-01. Review status: criteria provided, single submitter. Criteria: Natera Variant Classification Schema (03/2026). Collection method: clinical testing. Allele origin: germline.
Comment: The c.876-1G>C variant in GNS is a canonical splice acceptor site variant predicted to affect pre-mRNA splicing, which may result in an abnormal transcript and altered protein product. This variant is expected to result in nonsense mediated decay, truncation, or a dysfunctional protein product. This variant is rare in the general population with a frequency below the threshold expected for the associated phenotype(s). Another variant at this same site results in an alteration predicted to cause a similar molecular effect has been observed in individual(s) with the associated phenotype. Given the available evidence, this variant is classified as Pathogenic.

NM_002076.4(GNS):c.876-1G>C

Gene: GNS (glucosamine (N-acetyl)-6-sulfatase; minus strand). Cytogenetic location: 12q14.3.
Variant type: single nucleotide variant.
Coding change: c.876-1G>C on transcript NM_002076.4 (MANE Select); the canonical splice acceptor site of the intron before coding-DNA position 876, G replaced by C.
Molecular consequence: splice acceptor variant.
Genome position (GRCh38, 1-based): chr12:64,739,500, C>G on the plus strand (G>C on the coding strand, the complement: GNS is on the minus strand). VCF-style: chr12-64739500-C-G. GRCh37 (hg19) VCF-style: chr12-65133280-C-G.
Identifiers: ClinVar variation 4814997 (VCV004814997.1).